The following is an entry in ClinVar:

NM_000038.6(APC):c.1467T>A (p.Thr489=)

Gene: APC (APC regulator of Wnt signaling pathway; plus strand). Cytogenetic location: 5q22.2.
Variant type: single nucleotide variant.
Coding change: c.1467T>A on transcript NM_000038.6 (MANE Select); coding-DNA position 1467, T replaced by A.
Protein change: p.Thr489=; no amino-acid change (threonine 489 retained).
Molecular consequence: synonymous variant.
Genome position (GRCh38, 1-based): chr5:112,827,166, T>A. VCF-style: chr5-112827166-T-A. GRCh37 (hg19) VCF-style: chr5-112162863-T-A.
Other names: c.1467T>A, p.Thr489= (NM_001127510.3, NM_001354895.2, NM_001407450.1); c.1413T>A, p.Thr471= (NM_001127511.3); c.1521T>A, p.Thr507= (NM_001354896.2, NM_001407447.1, NM_001407448.1 and 1 more transcripts); c.1497T>A, p.Thr499= (NM_001354897.2); c.1392T>A, p.Thr464= (NM_001354898.2); c.1383T>A, p.Thr461= (NM_001354899.2); c.1344T>A, p.Thr448= (NM_001354900.2); c.1290T>A, p.Thr430= (NM_001354901.2, NM_001407453.1); and 11 more.
Identifiers: ClinVar variation 3148822 (VCV003148822.1), dbSNP rs2149809331, ClinGen allele CA445755928.

ClinVar aggregate classification (germline): Benign (1 of 4 stars; one submission).

Conditions:
Familial adenomatous polyposis 1 (FAP1). Also called: POLYPOSIS, ADENOMATOUS INTESTINAL; FAMILIAL ADENOMATOUS POLYPOSIS 1, ATTENUATED. Identifiers: MedGen C2713442, MONDO:0021056, OMIM 175100. Disease mechanism: loss of function.

Submission:

Myriad Genetics, Inc.
Classification: Benign for Familial adenomatous polyposis 1. Last evaluated: 2024-03-01. Review status: criteria provided, single submitter. Criteria: Myriad Autosomal Dominant, Autosomal Recessive and X-Linked Classification Criteria (2023). Collection method: clinical testing. Allele origin: unknown.
Comment: This variant is considered benign. This variant is a silent/synonymous amino acid change and it is not expected to impact splicing.